The following is an entry in ClinVar:

ClinVar aggregate classification (germline): Uncertain significance (1 of 4 stars; one submission).

Conditions:
Hereditary cancer-predisposing syndrome. Also called: Tumor predisposition; Hereditary neoplastic syndrome; Hereditary Cancer Syndrome; Neoplastic Syndromes, Hereditary. Identifiers: Orphanet 140162, MedGen C0027672, MeSH D009386, MONDO:0015356.

Submission:

Ambry Genetics
Classification: Uncertain significance for Hereditary cancer-predisposing syndrome. Last evaluated: 2024-02-08. Review status: criteria provided, single submitter. Criteria: Ambry Variant Classification Scheme 2023. Collection method: clinical testing. Allele origin: germline.
Comment: The p.T108A variant (also known as c.322A>G), located in coding exon 5 of the SMARCE1 gene, results from an A to G substitution at nucleotide position 322. The threonine at codon 108 is replaced by alanine, an amino acid with similar properties. This amino acid position is well conserved in available vertebrate species. In addition, this alteration is predicted to be deleterious by in silico analysis. Based on the available evidence, the clinical significance of this alteration remains unclear.

NM_003079.5(SMARCE1):c.322A>G (p.Thr108Ala)

Gene: SMARCE1 (SWI/SNF related BAF chromatin remodeling complex subunit E1; minus strand). Cytogenetic location: 17q21.2.
Variant type: single nucleotide variant.
Coding change: c.322A>G on transcript NM_003079.5 (MANE Select); coding-DNA position 322, A replaced by G.
Protein change: p.Thr108Ala; replaces threonine 108 with alanine.
Molecular consequence: missense variant.
Genome position (GRCh38, 1-based): chr17:40,636,442, T>C on the plus strand (A>G on the coding strand, the complement: SMARCE1 is on the minus strand). VCF-style: chr17-40636442-T-C. GRCh37 (hg19) VCF-style: chr17-38792694-T-C.
Other names: short protein forms T108A.
Identifiers: ClinVar variation 3223095 (VCV003223095.1), dbSNP rs2508604586, ClinGen allele CA399367181.
Genomic context (GRCh38, chr17:40,636,442, plus strand): 5'-GCCCCTACCCTACCTTTTCTGCTTCGTATTCGTTTAAATATTCTTGTTTTTCTTCATCAG[T>C]GAGATCTCGCCACATGCCACCAATAATCTTGCCAATCTCCCACAACTTTAGGTCAGGGTT-3'
Protein context (NP_003070.3, residues 98-118): KIIGGMWRDL[Thr108Ala]DEEKQEYLNE